The following is an entry in ClinVar:

NM_004329.3(BMPR1A):c.67+6T>C

Gene: BMPR1A (bone morphogenetic protein receptor type 1A; plus strand). Cytogenetic location: 10q23.2.
Variant type: single nucleotide variant.
Coding change: c.67+6T>C on transcript NM_004329.3 (MANE Select); 6 bases into the intron after coding-DNA position 67, T replaced by C.
Molecular consequence: intron variant.
Genome position (GRCh38, 1-based): chr10:86,876,091, T>C. VCF-style: chr10-86876091-T-C. GRCh37 (hg19) VCF-style: chr10-88635848-T-C.
Other names: c.67+6T>C (NM_001406562.1, NM_001406568.1, NM_001406567.1 and 23 more transcripts); c.-17-13971T>C (NM_001406584.1, NM_001406587.1, NM_001406585.1); c.-13+6T>C (NM_001406588.1); c.-12-13976T>C (NM_001406586.1).
Identifiers: ClinVar variation 2819058 (VCV002819058.3), dbSNP rs2539351399, ClinGen allele CA2739275858.

ClinVar aggregate classification (germline): Uncertain significance (1 of 4 stars; one submission).

Conditions:
Juvenile polyposis syndrome (JPS). Identifiers: Orphanet 2929, MedGen C0345893, MONDO:0017380, OMIM 174900.

Submission:

Labcorp Genetics (formerly Invitae), Labcorp
Classification: Uncertain significance for Juvenile polyposis syndrome. Last evaluated: 2024-03-06. Review status: criteria provided, single submitter. Criteria: Invitae Variant Classification Sherloc (09022015). Collection method: clinical testing. Allele origin: germline.
Comment: This sequence change falls in intron 3 of the BMPR1A gene. It does not directly change the encoded amino acid sequence of the BMPR1A protein. It affects a nucleotide within the consensus splice site. This variant is not present in population databases (gnomAD no frequency). This variant has not been reported in the literature in individuals affected with BMPR1A-related conditions. Variants that disrupt the consensus splice site are a relatively common cause of aberrant splicing (PMID: 17576681, 9536098). Algorithms developed to predict the effect of sequence changes on RNA splicing suggest that this variant is not likely to affect RNA splicing. In summary, the available evidence is currently insufficient to determine the role of this variant in disease. Therefore, it has been classified as a Variant of Uncertain Significance.

Literature cited by the submitters: PubMed 17576681; PubMed 9536098.